The following is an entry in ClinVar:

ClinVar aggregate classification (germline): Benign/Likely benign. Review status: criteria provided, multiple submitters, no conflicts (2 of 4 stars). 14 submissions from 13 submitters: Benign (6); Likely benign (4). 4 of the submissions do not count toward it. Last evaluated 2026-02-04.

Conditions:
Blau syndrome (BLAUS). Also called: ARTHROCUTANEOUVEAL GRANULOMATOSIS; GRANULOMATOSIS, FAMILIAL JUVENILE SYSTEMIC; GRANULOMATOSIS, FAMILIAL, BLAU TYPE; GRANULOMATOUS INFLAMMATORY ARTHRITIS, DERMATITIS, AND UVEITIS, FAMILIAL; JABS SYNDROME. Identifiers: Orphanet 90340, MedGen C5201146, MONDO:0008523, OMIM 186580.
Regional enteritis. Also called: Enteritis, Granulomatous. Identifiers: MedGen C0678202, MeSH D003424.
Autoinflammatory syndrome. Identifiers: Orphanet 93665, MedGen C3890737, MONDO:0019751.
Inflammatory bowel disease 1 (IBD1). Also called: Inflammatory bowel disease 1, Crohn disease; INFLAMMATORY BOWEL DISEASE (CROHN DISEASE) 1. Identifiers: MedGen CN260071, MONDO:0009960, OMIM 266600.
Psoriatic arthritis, susceptibility to. Identifiers: MedGen C1835223, MONDO:0100232, OMIM 607507.
Yao syndrome. Also called: Susceptibility to Yao syndrome. Identifiers: MedGen C4310620, MONDO:0015019, OMIM 617321.

Allele frequency attached by ClinVar (database versions not stated): 1000 Genomes Project 30x 0.03201; 1000 Genomes Project 0.03335; gnomAD 0.05945 and 0.06122; ExAC 0.06112; TOPMed 0.06140; gnomAD exomes 0.06269; ESP Exome Variant Server 0.06902.
gnomAD v4.1: 124,507 of 1,613,456 alleles (7.7%); highest among the groups gnomAD compares: Middle Eastern, 10%; 5,597 homozygotes.

Submissions (14):

Labcorp Genetics (formerly Invitae), Labcorp
Classification: Benign for Regional enteritis; Blau syndrome. Last evaluated: 2026-02-04. Review status: criteria provided, single submitter. Criteria: Invitae Variant Classification Sherloc (09022015). Collection method: clinical testing. Allele origin: germline.

Women's Health and Genetics/Laboratory Corporation of America, LabCorp
Classification: Likely benign. Last evaluated: 2026-01-21. Review status: criteria provided, single submitter. Criteria: LabCorp Variant Classification Summary - May 2015. Collection method: clinical testing. Allele origin: germline.

ARUP Laboratories, Molecular Genetics and Genomics, ARUP Laboratories
Classification: Benign. Last evaluated: 2025-07-21. Review status: criteria provided, single submitter. Criteria: ARUP Molecular Germline Variant Investigation Process 2024. Collection method: clinical testing. Allele origin: germline.

Blueprint Genetics
Classification: Likely benign. Last evaluated: 2024-11-27. Review status: criteria provided, single submitter. Criteria: ACMG Guidelines, 2015. Collection method: clinical testing. Allele origin: germline.

Genome Diagnostics Laboratory, The Hospital for Sick Children
Classification: Benign for Autoinflammatory syndrome. Last evaluated: 2022-01-29. Review status: criteria provided, single submitter. Criteria: ACMG Guidelines, 2015. Collection method: clinical testing. Allele origin: germline. Affected: yes.

Dubai Health Genomic Medicine Center, Dubai Health
Classification: Benign for Inflammatory bowel disease 1. Last evaluated: 2020-06-21. Review status: criteria provided, single submitter. Criteria: ACMG Guidelines, 2015. Collection method: clinical testing. Allele origin: germline. Affected: yes.

Fulgent Genetics
Classification: Likely benign for Blau syndrome; Inflammatory bowel disease 1; Psoriatic arthritis, susceptibility to; Yao syndrome. Last evaluated: 2018-10-31. Review status: criteria provided, single submitter. Criteria: ACMG Guidelines, 2015. Collection method: clinical testing. Allele origin: unknown.

Illumina Laboratory Services, Illumina
Classification: Benign for Blau syndrome. Last evaluated: 2018-03-06. Review status: criteria provided, single submitter. Criteria: ICSL Variant Classification Criteria 13 December 2019. Collection method: clinical testing. Allele origin: germline.
Comment: This variant was observed in the ICSL laboratory as part of a predisposition screen in an ostensibly healthy population. It had not been previously curated by ICSL or reported in the Human Gene Mutation Database (HGMD: prior to June 1st, 2018), and was therefore a candidate for classification through an automated scoring system. Utilizing variant allele frequency, disease prevalence and penetrance estimates, and inheritance mode, an automated score was calculated to assess if this variant is too frequent to cause the disease. Based on the score and internal cut-off values, a variant classified as benign is not then subjected to further curation. The score for this variant resulted in a classification of benign for this disease.

Illumina Laboratory Services, Illumina
Classification: Benign for Inflammatory bowel disease 1. Last evaluated: 2018-03-06. Review status: criteria provided, single submitter. Criteria: ICSL Variant Classification Criteria 13 December 2019. Collection method: clinical testing. Allele origin: germline.
Comment: the same text as in the submission from Illumina Laboratory Services, Illumina above.

Breakthrough Genomics
Classification: Likely benign. Review status: criteria provided, single submitter. Criteria: ACMG Guidelines, 2015. Collection method: not provided. Allele origin: germline. Inheritance: Autosomal dominant inheritance. Affected: yes.

Clinical Genetics DNA and cytogenetics Diagnostics Lab, Erasmus MC, Erasmus Medical Center
Classification: Benign. Review status: no assertion criteria provided. Collection method: clinical testing. Allele origin: germline. Affected: yes. Study: VKGL Data-share Consensus. Not counted in ClinVar's aggregate classification.

Diagnostic Laboratory, Department of Genetics, University Medical Center Groningen
Classification: Benign. Review status: no assertion criteria provided. Collection method: clinical testing. Allele origin: germline. Affected: yes. Study: VKGL Data-share Consensus. Not counted in ClinVar's aggregate classification.

Genome Diagnostics Laboratory, University Medical Center Utrecht
Classification: Benign. Review status: no assertion criteria provided. Collection method: clinical testing. Allele origin: germline. Affected: yes. Study: VKGL Data-share Consensus. Not counted in ClinVar's aggregate classification.

Unité médicale des maladies autoinflammatoires, CHRU Montpellier
No classification provided. Condition: Sarcoidosis, early-onset. Review status: no classification provided. Collection method: not provided. Allele origin: unknown. Not counted in ClinVar's aggregate classification.
Comment: also involved in OMIM 186580 and 266600

NM_001370466.1(NOD2):c.2782G>A (p.Val928Ile)

Gene: NOD2 (nucleotide binding oligomerization domain containing 2; plus strand). Cytogenetic location: 16q12.1.
Variant type: single nucleotide variant.
Coding change: c.2782G>A on transcript NM_001370466.1 (MANE Select); coding-DNA position 2782, G replaced by A.
Protein change: p.Val928Ile; replaces valine 928 with isoleucine.
Molecular consequence: missense variant. On other transcripts: non-coding transcript variant (1).
Genome position (GRCh38, 1-based): chr16:50,723,365, G>A. VCF-style: chr16-50723365-G-A. GRCh37 (hg19) VCF-style: chr16-50757276-G-A.
Other names: c.2863G>A (LRG_177t1); c.2782G>A, p.Val928Ile (NM_001293557.2); c.2863G>A, p.Val955Ile (NM_022162.3); short protein forms V955I, V928I.
Identifiers: ClinVar variation 97869 (VCV000097869.42), dbSNP rs5743291, ClinGen allele CA150311.